The following is an entry in ClinVar:

NM_000168.6(GLI3):c.368-7T>G

Gene: GLI3 (GLI family zinc finger 3; minus strand). Cytogenetic location: 7p14.1.
Variant type: single nucleotide variant.
Coding change: c.368-7T>G on transcript NM_000168.6 (MANE Select); 7 bases into the intron before coding-DNA position 368, T replaced by G.
Molecular consequence: intron variant.
Genome position (GRCh38, 1-based): chr7:42,076,864, A>C on the plus strand (T>G on the coding strand, the complement: GLI3 is on the minus strand). VCF-style: chr7-42076864-A-C. GRCh37 (hg19) VCF-style: chr7-42116463-A-C.
Identifiers: ClinVar variation 911117 (VCV000911117.8), dbSNP rs74376818, ClinGen allele CA4231210.

ClinVar aggregate classification (germline): Benign/Likely benign. Review status: criteria provided, multiple submitters, no conflicts (2 of 4 stars). 4 submissions from 2 submitters: Benign (3); Likely benign (1). Last evaluated 2025-11-29.

Conditions:
Polydactyly. Also called: polydactylism. Identifiers: MedGen C0152427, MONDO:0021003, OMIM 603596, HP:0010442.
Greig cephalopolysyndactyly syndrome (GCPS). Also called: Greig syndrome; POLYSYNDACTYLY WITH PECULIAR SKULL SHAPE; GLI3-Related Greig Cephalopolysyndactyly Syndrome. Identifiers: Orphanet 380, MedGen C0265306, MONDO:0008287, OMIM 175700.
Pallister-Hall syndrome (PHS). Also called: HYPOTHALAMIC HAMARTOBLASTOMA, HYPOPITUITARISM, IMPERFORATE ANUS, AND POSTAXIAL POLYDACTYLY; GLI3-Related Pallister-Hall Syndrome. Identifiers: Orphanet 672, MedGen C0265220, MONDO:0007804, OMIM 146510.

Allele frequency attached by ClinVar (database versions not stated): gnomAD 0.00002 and 0.00003; TOPMed 0.00004; ExAC 0.00008; gnomAD exomes 0.00010.
gnomAD v4.1: 44 of 1,540,212 alleles (0.0029%); highest among the groups gnomAD compares: Admixed American, 0.037%; no homozygotes.

Submissions (4):

Labcorp Genetics (formerly Invitae), Labcorp
Classification: Likely benign for Pallister-Hall syndrome; Greig cephalopolysyndactyly syndrome. Last evaluated: 2025-11-29. Review status: criteria provided, single submitter. Criteria: Invitae Variant Classification Sherloc (09022015). Collection method: clinical testing. Allele origin: germline.

Illumina Laboratory Services, Illumina
Classification: Benign for Pallister-Hall syndrome. Last evaluated: 2018-01-12. Review status: criteria provided, single submitter. Criteria: ICSL Variant Classification Criteria 13 December 2019. Collection method: clinical testing. Allele origin: germline.
Comment: This variant was observed in the ICSL laboratory as part of a predisposition screen in an ostensibly healthy population. It had not been previously curated by ICSL or reported in the Human Gene Mutation Database (HGMD: prior to June 1st, 2018), and was therefore a candidate for classification through an automated scoring system. Utilizing variant allele frequency, disease prevalence and penetrance estimates, and inheritance mode, an automated score was calculated to assess if this variant is too frequent to cause the disease. Based on the score and internal cut-off values, a variant classified as benign is not then subjected to further curation. The score for this variant resulted in a classification of benign for this disease.

Illumina Laboratory Services, Illumina
Classification: Benign for Greig cephalopolysyndactyly syndrome. Last evaluated: 2018-01-12. Review status: criteria provided, single submitter. Criteria: ICSL Variant Classification Criteria 13 December 2019. Collection method: clinical testing. Allele origin: germline.
Comment: the same text as in the submission from Illumina Laboratory Services, Illumina above.

Illumina Laboratory Services, Illumina
Classification: Benign for Polydactyly. Last evaluated: 2018-01-12. Review status: criteria provided, single submitter. Criteria: ICSL Variant Classification Criteria 13 December 2019. Collection method: clinical testing. Allele origin: germline.
Comment: the same text as in the submission from Illumina Laboratory Services, Illumina above.